The following is an entry in ClinVar:

ClinVar aggregate classification (germline): Uncertain significance (0 of 4 stars; one submission).

Conditions:
Marfan syndrome (MFS). Also called: MARFAN SYNDROME, TYPE I; Marfan syndrome type 1; Marfan's syndrome; FBN1-Related Marfan Syndrome; Marfan syndrome, classic. Identifiers: Orphanet 284963, Orphanet 558, MedGen C0024796, MONDO:0007947, OMIM 154700.

Submission:

Department of Laboratory Medicine and Genetics, Samsung Medical Center
Classification: Uncertain significance for Marfan syndrome. Last evaluated: 2025-01-02. Review status: no assertion criteria provided. Collection method: clinical testing. Allele origin: germline.
Comment: The NM_000138.5:c.1808A>C is considered to be rare in the general population database (gnomAD v2.1.1). In summary, the available evidence is currently insufficient to evaluate the pathogenicity of this variant, resulting its classification as a variant of uncertain significance (PP2, PM2_P).

Literature cited by the submitters: PubMed 37558401.

NM_000138.5(FBN1):c.1808A>C (p.Gln603Pro)

Gene: FBN1 (fibrillin 1; minus strand). Cytogenetic location: 15q21.1.
Variant type: single nucleotide variant.
Coding change: c.1808A>C on transcript NM_000138.5 (MANE Select); coding-DNA position 1808, A replaced by C.
Protein change: p.Gln603Pro; replaces glutamine 603 with proline.
Molecular consequence: missense variant.
Genome position (GRCh38, 1-based): chr15:48,508,611, T>G on the plus strand (A>C on the coding strand, the complement: FBN1 is on the minus strand). VCF-style: chr15-48508611-T-G. GRCh37 (hg19) VCF-style: chr15-48800808-T-G.
Other names: c.1808A>C, p.Gln603Pro (NM_001406716.1); short protein forms Q603P.
Identifiers: ClinVar variation 3600266 (VCV003600266.1).
Genomic context (GRCh38, chr15:48,508,611, plus strand): 5'-AGAACATGATCTAGGGTTTTATAGCACGAACCTTTGCAATAACGTCCATCTGATGCCAGC[T>G]GGAATCCAGGTTTGCAAATACATTTAAAACTGCCATCTTCATTGATACACATTCCATTAA-3'
Protein context (NP_000129.3, residues 593-613): SFKCICKPGF[Gln603Pro]LASDGRYCKD